The following is an entry in ClinVar:

ClinVar aggregate classification (germline): Uncertain significance (1 of 4 stars; one submission).

Conditions:
Maple syrup urine disease type 2 (MSUD2). Also called: Maple syrup urine disease, type II. Identifiers: MedGen C1855371, MONDO:0023693, OMIM 620699.

Submission:

3billion
Classification: Uncertain significance for Maple syrup urine disease type 2. Last evaluated: 2025-11-17. Review status: criteria provided, single submitter. Criteria: ACMG Guidelines, 2015. Collection method: clinical testing. Allele origin: germline. Affected: yes.
Comment: The variant is not observed in the gnomAD v4.1.0 dataset. Predicted Consequence/Location: Missense variant. The majority of the known disease-causing variants of this gene are variants expected to result in premature termination of the protein. In silico tool predictions suggest damaging effect of the variant on gene or gene product [3Cnet: 0.86 (> 0.75, sensitivity 0.96 and precision 0.92)]. Therefore, this variant is classified as VUS according to the recommendation of ACMG/AMP guideline.

NM_001918.5(DBT):c.1249G>A (p.Glu417Lys)

Gene: DBT (dihydrolipoamide branched chain transacylase E2; minus strand). Cytogenetic location: 1p21.2.
Variant type: single nucleotide variant.
Coding change: c.1249G>A on transcript NM_001918.5 (MANE Select); coding-DNA position 1249, G replaced by A.
Protein change: p.Glu417Lys; replaces glutamic acid 417 with lysine.
Molecular consequence: missense variant. On other transcripts: non-coding transcript variant (4).
Genome position (GRCh38, 1-based): chr1:100,206,262, C>T on the plus strand (G>A on the coding strand, the complement: DBT is on the minus strand). VCF-style: chr1-100206262-C-T. GRCh37 (hg19) VCF-style: chr1-100671818-C-T.
Other names: c.706G>A, p.Glu236Lys (NM_001399969.1, NM_001399972.1); short protein forms E236K, E417K.
Identifiers: ClinVar variation 4855672 (VCV004855672.1).